The following is an entry in ClinVar:

NM_005219.5(DIAPH1):c.2473+3G>A

Gene: DIAPH1 (diaphanous related formin 1; minus strand). Cytogenetic location: 5q31.3.
Variant type: single nucleotide variant.
Coding change: c.2473+3G>A on transcript NM_005219.5 (MANE Select); 3 bases into the intron after coding-DNA position 2473, G replaced by A.
Molecular consequence: intron variant.
Genome position (GRCh38, 1-based): chr5:141,571,923, C>T on the plus strand (G>A on the coding strand, the complement: DIAPH1 is on the minus strand). VCF-style: chr5-141571923-C-T. GRCh37 (hg19) VCF-style: chr5-140951490-C-T.
Other names: c.2446+3G>A (NM_001079812.3); c.2473+3G>A (NM_001314007.2).
Identifiers: ClinVar variation 1954418 (VCV001954418.5), dbSNP rs968587277, ClinGen allele CA128432300.

ClinVar aggregate classification (germline): Uncertain significance (1 of 4 stars; one submission).

Conditions:
Autosomal dominant nonsyndromic hearing loss 1. Also called: DEAFNESS, AUTOSOMAL DOMINANT 1, WITH OR WITHOUT THROMBOCYTOPENIA; KONIGSMARK SYNDROME. Identifiers: Orphanet 90635, MedGen C1852282, MONDO:0007424, OMIM 124900.
Progressive microcephaly-seizures-cortical blindness-developmental delay syndrome. Also called: Seizures, cortical blindness, and microcephaly syndrome. Identifiers: Orphanet 477814, MedGen C5567650, MONDO:0014714, OMIM 616632.

Allele frequency attached by ClinVar (database versions not stated): gnomAD exomes 0.00001.
gnomAD v4.1: 18 of 1,598,270 alleles (0.0011%); highest among the groups gnomAD compares: African/African-American, 0.004%; no homozygotes.

Submission:

Labcorp Genetics (formerly Invitae), Labcorp
Classification: Uncertain significance for Progressive microcephaly-seizures-cortical blindness-developmental delay syndrome; Autosomal dominant nonsyndromic hearing loss 1. Last evaluated: 2024-06-05. Review status: criteria provided, single submitter. Criteria: Invitae Variant Classification Sherloc (09022015). Collection method: clinical testing. Allele origin: germline.
Comment: This sequence change falls in intron 17 of the DIAPH1 gene. It does not directly change the encoded amino acid sequence of the DIAPH1 protein. It affects a nucleotide within the consensus splice site. This variant is present in population databases (no rsID available, gnomAD 0.0009%). This variant has not been reported in the literature in individuals affected with DIAPH1-related conditions. ClinVar contains an entry for this variant (Variation ID: 1954418). Variants that disrupt the consensus splice site are a relatively common cause of aberrant splicing (PMID: 17576681, 9536098). Algorithms developed to predict the effect of sequence changes on RNA splicing suggest that this variant is not likely to affect RNA splicing. In summary, the available evidence is currently insufficient to determine the role of this variant in disease. Therefore, it has been classified as a Variant of Uncertain Significance.

Literature cited by the submitters: PubMed 17576681; PubMed 9536098.